The following is an entry in ClinVar:

ClinVar aggregate classification (germline): Uncertain significance (1 of 4 stars; one submission).

Submission:

Women's Health and Genetics/Laboratory Corporation of America, LabCorp
Classification: Uncertain significance. Last evaluated: 2024-11-15. Review status: criteria provided, single submitter. Criteria: LabCorp Variant Classification Summary - May 2015. Collection method: clinical testing. Allele origin: germline.
Comment: Variant summary: POLRMT c.2764-6_2764-3delCCTC alters a nucleotide located close to a canonical splice site and therefore could affect mRNA splicing, leading to a significantly altered protein sequence. Consensus agreement among computation tools predict no significant impact on normal splicing. However, these predictions have yet to be confirmed by functional studies. The variant allele was found at a frequency of 1.4e-05 in 141066 control chromosomes. The available data on variant occurrences in the general population are insufficient to allow any conclusion about variant significance. To our knowledge, no occurrence of c.2764-6_2764-3delCCTC in individuals affected with Combined Oxidative Phosphorylation Deficiency 55 and no experimental evidence demonstrating its impact on protein function have been reported. No submitters have cited clinical-significance assessments for this variant to ClinVar. Based on the evidence outlined above, the variant was classified as uncertain significance.

NM_005035.4(POLRMT):c.2764-6_2764-3del

Gene: POLRMT (RNA polymerase mitochondrial; minus strand). Cytogenetic location: 19p13.3.
Variant type: Deletion.
Coding change: c.2764-6_2764-3del on transcript NM_005035.4 (MANE Select); 6 bases into the intron before coding-DNA position 2764 through 3 bases into the intron before coding-DNA position 2764, 4 bases deleted (CCTC; older notation c.2764-6_2764-3delCCTC).
Molecular consequence: intron variant.
Genome position (GRCh38, 1-based): chr19:620,083-620,086, GAGG deleted on the plus strand (CCTC on the coding strand, the reverse complement: POLRMT is on the minus strand). VCF-style (leftmost placement, unchanged base first): chr19-620082-TGAGG-T. GRCh37 (hg19) VCF-style: chr19-620082-TGAGG-T.
Other names: c.2722-6_2722-3del (NM_001407813.1, NM_001407811.1); c.2752-6_2752-3del (NM_001407810.1, NM_001407807.1); c.2755-6_2755-3del (NM_001407809.1, NM_001407806.1); c.2539-6_2539-3del (NM_001407832.1, NM_001407830.1); c.2641-6_2641-3del (NM_001407829.1); c.2764-6_2764-3del (NM_001407815.1, NM_001407814.1, NM_001407812.1 and 3 more transcripts); c.2431-6_2431-3del (NM_001407834.1); c.2440-6_2440-3del (NM_001407836.1, NM_001407835.1, NM_001407833.1 and 1 more transcripts); and 1 more.
Identifiers: ClinVar variation 3629622 (VCV003629622.1).